The following is an entry in ClinVar:

ClinVar aggregate classification (germline): Pathogenic (1 of 4 stars; one submission).

Submission:

Quest Diagnostics Nichols Institute San Juan Capistrano
Classification: Pathogenic. Last evaluated: 2021-07-18. Review status: criteria provided, single submitter. Criteria: ACMG/ClinGen CNV Guidelines, 2019. Collection method: clinical testing. Allele origin: unknown.
Comment: The deletion 22q13.33 involves SHANK3 gene (OMIM 606230) and 2 other genes including one distal protein coding gene (ACR; OMIM 102480). Haploinsufficiency of SHANK3 is causative of the majority of clinical findings observed in 22q13.3 deletion syndrome (Phelan-McDermid syndrome, OMIM 606232). This syndrome is characterized by neonatal hypotonia, global developmental delay, absent to severely delayed speech, moderate to profound intellectual disability, normal to accelerated growth, autistic features, and additional variable findings. Although the size of the identified deletions are highly variable, deletions similar to the current one have been reported (PLoS Genet. 2011;7(7):e1002173.PMID: 21779178; Mol Syndromol. 2012;3(1):14-20. PMID: 22855650; Gene. 2013;524(2):386-389. PMID: 23612248; Mol Autism. 2013;4(1):18.PMID: 23758760).

GRCh37/hg19 22q13.33(chr22:51098981-51183767)x1

Genes: ACR (acrosin; plus strand), SHANK3 (SH3 and multiple ankyrin repeat domains 3; plus strand). Cytogenetic location: 22q13.33.
Variant type: copy number loss.
Change: copy number 1 (one copy instead of two) of chr22:51,098,981-51,183,767 (84.8 kb, GRCh37 coordinates, 1-based), cytogenetic band 22q13.33.
Identifiers: ClinVar variation 1807718 (VCV001807718.1).